The following is an entry in ClinVar:

ClinVar aggregate classification (germline): Uncertain significance (1 of 4 stars; one submission).

Allele frequency attached by ClinVar (database versions not stated): TOPMed below 0.00001; gnomAD 0.00001.
gnomAD v4.1: 6 of 1,614,080 alleles (0.00037%); highest among the groups gnomAD compares: African/African-American, 0.0013%; no homozygotes.

Submission:

Labcorp Genetics (formerly Invitae), Labcorp
Classification: Uncertain significance. Last evaluated: 2025-09-08. Review status: criteria provided, single submitter. Criteria: Invitae Variant Classification Sherloc (09022015). Collection method: clinical testing. Allele origin: germline.
Comment: This sequence change replaces histidine, which is basic and polar, with asparagine, which is neutral and polar, at codon 435 of the TPP1 protein (p.His435Asn). This variant is present in population databases (rs755829911, gnomAD 0.0009%). This variant has not been reported in the literature in individuals affected with TPP1-related conditions. ClinVar contains an entry for this variant (Variation ID: 1943106). Invitae Evidence Modeling of protein sequence and biophysical properties (such as structural, functional, and spatial information, amino acid conservation, physicochemical variation, residue mobility, and thermodynamic stability) indicates that this missense variant is not expected to disrupt TPP1 protein function with a negative predictive value of 95%. In summary, the available evidence is currently insufficient to determine the role of this variant in disease. Therefore, it has been classified as a Variant of Uncertain Significance.

NM_000391.4(TPP1):c.1303C>A (p.His435Asn)

Gene: TPP1 (tripeptidyl peptidase 1; minus strand). Cytogenetic location: 11p15.4.
Variant type: single nucleotide variant.
Coding change: c.1303C>A on transcript NM_000391.4 (MANE Select); coding-DNA position 1303, C replaced by A.
Protein change: p.His435Asn; replaces histidine 435 with asparagine.
Molecular consequence: missense variant.
Genome position (GRCh38, 1-based): chr11:6,615,293, G>T on the plus strand (C>A on the coding strand, the complement: TPP1 is on the minus strand). VCF-style: chr11-6615293-G-T. GRCh37 (hg19) VCF-style: chr11-6636524-G-T.
Other names: short protein forms H435N.
Identifiers: ClinVar variation 1943106 (VCV001943106.3), dbSNP rs755829911, ClinGen allele CA217321609.